The following is an entry in ClinVar:

ClinVar aggregate classification (germline): Uncertain significance (1 of 4 stars; one submission).

gnomAD v4.1: 1 of 1,614,194 alleles (0.000062%); highest among the groups gnomAD compares: Non-Finnish European, 0.000085%; no homozygotes.

Submission:

Labcorp Genetics (formerly Invitae), Labcorp
Classification: Uncertain significance. Last evaluated: 2024-05-01. Review status: criteria provided, single submitter. Criteria: Invitae Variant Classification Sherloc (09022015). Collection method: clinical testing. Allele origin: germline.
Comment: This sequence change replaces cysteine, which is neutral and slightly polar, with tyrosine, which is neutral and polar, at codon 265 of the DEAF1 protein (p.Cys265Tyr). This variant is present in population databases (no rsID available, gnomAD 0.0009%). This variant has not been reported in the literature in individuals affected with DEAF1-related conditions. Advanced modeling of protein sequence and biophysical properties (such as structural, functional, and spatial information, amino acid conservation, physicochemical variation, residue mobility, and thermodynamic stability) performed at Invitae indicates that this missense variant is expected to disrupt DEAF1 protein function with a positive predictive value of 95%. In summary, the available evidence is currently insufficient to determine the role of this variant in disease. Therefore, it has been classified as a Variant of Uncertain Significance.

NM_021008.4(DEAF1):c.794G>A (p.Cys265Tyr)

Gene: DEAF1 (DEAF1 transcription factor; minus strand). Cytogenetic location: 11p15.5.
Variant type: single nucleotide variant.
Coding change: c.794G>A on transcript NM_021008.4 (MANE Select); coding-DNA position 794, G replaced by A.
Protein change: p.Cys265Tyr; replaces cysteine 265 with tyrosine.
Molecular consequence: missense variant. On other transcripts: intron variant (1).
Genome position (GRCh38, 1-based): chr11:686,868, C>T on the plus strand (G>A on the coding strand, the complement: DEAF1 is on the minus strand). VCF-style: chr11-686868-C-T. GRCh37 (hg19) VCF-style: chr11-686868-C-T.
Other names: c.68G>A, p.Cys23Tyr (NM_001367390.1, NM_001440885.1, NM_001440886.1 and 1 more transcripts); c.794G>A, p.Cys265Tyr (NM_001440883.1, NM_001440884.1); c.664+1043G>A (NM_001293634.2); short protein forms C23Y, C265Y.
Identifiers: ClinVar variation 3651779 (VCV003651779.2).